The following is an entry in ClinVar:

NM_000204.5(CFI):c.1601C>T (p.Ala534Val)

Gene: CFI (complement factor I; minus strand). Cytogenetic location: 4q25.
Variant type: single nucleotide variant.
Coding change: c.1601C>T on transcript NM_000204.5 (MANE Select); coding-DNA position 1601, C replaced by T.
Protein change: p.Ala534Val; replaces alanine 534 with valine.
Molecular consequence: missense variant. On other transcripts: non-coding transcript variant (3), intron variant (5).
Genome position (GRCh38, 1-based): chr4:109,741,044, G>A on the plus strand (C>T on the coding strand, the complement: CFI is on the minus strand). VCF-style: chr4-109741044-G-A. GRCh37 (hg19) VCF-style: chr4-110662200-G-A.
Other names: c.1625C>T, p.Ala542Val (NM_001318057.2); c.1580C>T, p.Ala527Val (NM_001331035.2); c.1544C>T, p.Ala515Val (NM_001375283.1); c.992C>T, p.Ala331Val (NM_001375284.1); c.1513+1447C>T (NM_001375282.1, NM_001375280.1); c.1534+1447C>T (NM_001375281.1, NM_001375279.1); c.1558+1447C>T (NM_001375278.1); short protein forms A534V, A515V, A527V, A331V, A542V.
Identifiers: ClinVar variation 2119609 (VCV002119609.4), dbSNP rs1228464893, ClinGen allele CA357854595.

ClinVar aggregate classification (germline): Uncertain significance (1 of 4 stars; one submission).

Allele frequency attached by ClinVar (database versions not stated): gnomAD 0.00001.

Submission:

Labcorp Genetics (formerly Invitae), Labcorp
Classification: Uncertain significance. Last evaluated: 2022-05-07. Review status: criteria provided, single submitter. Criteria: Invitae Variant Classification Sherloc (09022015). Collection method: clinical testing. Allele origin: germline.
Comment: In summary, the available evidence is currently insufficient to determine the role of this variant in disease. Therefore, it has been classified as a Variant of Uncertain Significance. Advanced modeling of protein sequence and biophysical properties (such as structural, functional, and spatial information, amino acid conservation, physicochemical variation, residue mobility, and thermodynamic stability) performed at Invitae indicates that this missense variant is not expected to disrupt CFI protein function. This variant has not been reported in the literature in individuals affected with CFI-related conditions. This variant is not present in population databases (gnomAD no frequency). This sequence change replaces alanine, which is neutral and non-polar, with valine, which is neutral and non-polar, at codon 534 of the CFI protein (p.Ala534Val).